The following is an entry in ClinVar:

NM_000092.5(COL4A4):c.2320G>A (p.Gly774Ser)

Gene: COL4A4 (collagen type IV alpha 4 chain; minus strand). Cytogenetic location: 2q36.3.
Variant type: single nucleotide variant.
Coding change: c.2320G>A on transcript NM_000092.5 (MANE Select); coding-DNA position 2320, G replaced by A.
Protein change: p.Gly774Ser; replaces glycine 774 with serine.
Molecular consequence: missense variant.
Genome position (GRCh38, 1-based): chr2:227,059,468, C>T on the plus strand (G>A on the coding strand, the complement: COL4A4 is on the minus strand). VCF-style: chr2-227059468-C-T. GRCh37 (hg19) VCF-style: chr2-227924184-C-T.
Other names: short protein forms G774S.
Identifiers: ClinVar variation 2954930 (VCV002954930.3), dbSNP rs569681869, ClinGen allele CA350841928.

ClinVar aggregate classification (germline): Likely pathogenic (1 of 4 stars; one submission).

Submission:

Labcorp Genetics (formerly Invitae), Labcorp
Classification: Likely pathogenic. Last evaluated: 2023-12-15. Review status: criteria provided, single submitter. Criteria: Invitae Variant Classification Sherloc (09022015). Collection method: clinical testing. Allele origin: germline.
Comment: This sequence change replaces glycine, which is neutral and non-polar, with serine, which is neutral and polar, at codon 774 of the COL4A4 protein (p.Gly774Ser). This variant is not present in population databases (gnomAD no frequency). This variant has not been reported in the literature in individuals affected with COL4A4-related conditions. Advanced modeling of protein sequence and biophysical properties (such as structural, functional, and spatial information, amino acid conservation, physicochemical variation, residue mobility, and thermodynamic stability) performed at Invitae indicates that this missense variant is expected to disrupt COL4A4 protein function with a positive predictive value of 95%. This variant disrupts the p.Gly774 amino acid residue in COL4A4. Other variant(s) that disrupt this residue have been determined to be pathogenic (PMID: 17396119, 26934356, 28632965, 33532864, 34584596). This suggests that this residue is clinically significant, and that variants that disrupt this residue are likely to be disease-causing. In summary, the currently available evidence indicates that the variant is pathogenic, but additional data are needed to prove that conclusively. Therefore, this variant has been classified as Likely Pathogenic.

Literature cited by the submitters: PubMed 17396119; PubMed 26934356; PubMed 28632965; PubMed 33532864; PubMed 34584596.